The following is an entry in ClinVar:

NM_012108.4(STAP1):c.643A>G (p.Ile215Val)

Gene: STAP1 (signal transducing adaptor family member 1; plus strand). Cytogenetic location: 4q13.2.
Variant type: single nucleotide variant.
Coding change: c.643A>G on transcript NM_012108.4 (MANE Select); coding-DNA position 643, A replaced by G.
Protein change: p.Ile215Val; replaces isoleucine 215 with valine.
Molecular consequence: missense variant.
Genome position (GRCh38, 1-based): chr4:67,583,686, A>G. VCF-style: chr4-67583686-A-G. GRCh37 (hg19) VCF-style: chr4-68449404-A-G.
Other names: c.643A>G, p.Ile215Val (NM_001317769.2); short protein forms I215V.
Identifiers: ClinVar variation 3226195 (VCV003226195.1), dbSNP rs1183202563, ClinGen allele CA357053449.

ClinVar aggregate classification (germline): Uncertain significance (1 of 4 stars; one submission).

Allele frequency attached by ClinVar (database versions not stated): gnomAD 0.00003; TOPMed 0.00003.
gnomAD v4.1: 4 of 1,612,332 alleles (0.00025%); highest among the groups gnomAD compares: African/African-American, 0.0053%; no homozygotes.

Submission:

Ambry Genetics
Classification: Uncertain significance. Last evaluated: 2024-02-16. Review status: criteria provided, single submitter. Criteria: Ambry Variant Classification Scheme 2023. Collection method: clinical testing. Allele origin: germline.
Comment: The p.I215V variant (also known as c.643A>G), located in coding exon 6 of the STAP1 gene, results from an A to G substitution at nucleotide position 643. The isoleucine at codon 215 is replaced by valine, an amino acid with highly similar properties. This amino acid position is conserved. In addition, this alteration is predicted to be tolerated by in silico analysis. Based on the available evidence, the clinical significance of this alteration remains unclear.